The following is an entry in ClinVar:

NM_000359.3(TGM1):c.125C>A (p.Ser42Tyr)

Gene: TGM1 (transglutaminase 1; minus strand). Cytogenetic location: 14q12.
Variant type: single nucleotide variant.
Coding change: c.125C>A on transcript NM_000359.3 (MANE Select); coding-DNA position 125, C replaced by A.
Protein change: p.Ser42Tyr; replaces serine 42 with tyrosine.
Molecular consequence: missense variant.
Genome position (GRCh38, 1-based): chr14:24,262,228, G>T on the plus strand (C>A on the coding strand, the complement: TGM1 is on the minus strand). VCF-style: chr14-24262228-G-T. GRCh37 (hg19) VCF-style: chr14-24731434-G-T.
Other names: short protein forms S42Y.
Identifiers: ClinVar variation 12480 (VCV000012480.63), dbSNP rs41295338, ClinGen allele CA256458.
Genomic context (GRCh38, chr14:24,262,228, plus strand): 5'-CCCCAGTCGTCATCTGCCGCATTTCGGCATGAACAGCAGCCACAGCAGCGAGCCCAGAAG[G>T]AACGGCCTCCTCCTCTGCGAGAGCGTCCGTCTGGCTCTGGCTCTGGCTCTGGAGATGGCG-3'
Protein context (NP_000350.1, residues 32-52): DGRSRRGGGR[Ser42Tyr]FWARCCGCCS

ClinVar aggregate classification (germline): Conflicting classifications of pathogenicity. Review status: criteria provided, conflicting classifications (1 of 4 stars). 9 submissions from 9 submitters: Uncertain significance (1); Benign (1); Likely benign (5). 2 of the submissions do not count toward it. Last evaluated 2026-02-04.

Conditions:
Autosomal recessive congenital ichthyosis 1 (LI1). Also called: LAMELLAR EXFOLIATION OF NEWBORN; COLLODION FETUS; DESQUAMATION OF NEWBORN; ICHTHYOSIS, CONGENITAL, AUTOSOMAL RECESSIVE 1, WITH BATHING SUIT DISTRIBUTION; ICHTHYOSIS, CONGENITAL, AUTOSOMAL RECESSIVE 1, WITH OR WITHOUT BATHING SUIT DISTRIBUTION; ICHTHYOSIS CONGENITA. Identifiers: MedGen C4551630, MONDO:0009441, OMIM 242300.

Allele frequency attached by ClinVar (database versions not stated): 1000 Genomes Project 30x 0.00203; 1000 Genomes Project 0.00220; TOPMed 0.00366; gnomAD 0.00428; gnomAD exomes 0.00548.

Submissions (9):

Labcorp Genetics (formerly Invitae), Labcorp
Classification: Benign. Last evaluated: 2026-02-04. Review status: criteria provided, single submitter. Criteria: Invitae Variant Classification Sherloc (09022015). Collection method: clinical testing. Allele origin: germline.

CeGaT Center for Human Genetics Tuebingen
Classification: Likely benign. Last evaluated: 2025-12-01. Review status: criteria provided, single submitter. Criteria: CeGaT Center For Human Genetics Tuebingen Variant Classification Criteria Version 2. Collection method: clinical testing. Allele origin: germline. Affected: yes. Observed: 5 variant alleles.
Comment: TGM1: BS2

Blueprint Genetics
Classification: Likely benign. Last evaluated: 2024-11-27. Review status: criteria provided, single submitter. Criteria: ACMG Guidelines, 2015. Collection method: clinical testing. Allele origin: germline.

Laboratory for Molecular Medicine, Mass General Brigham Personalized Medicine
Classification: Likely benign. Last evaluated: 2024-01-02. Review status: criteria provided, single submitter. Criteria: ACMG Guidelines, 2015. Collection method: clinical testing. Allele origin: germline.
Comment: The p.Ser42Tyr variant in TGM1 is classified as likely benign because it has been identified in 1.3% (4/316) of Middle Eastern and 0.67% (71/10628) of European Finnish chromosomes by gnomAD (v.3.1.2), which is greater than the expected frequency of a pathogenic TGM1 variant causing disease. In addition, in vitro functional studies provide some evidence that this variant does not impact or increases protein expression (Candi 1998 PMID: 9593710, Numata 2016 PMID: 26990434). ACMG/AMP Criteria applied: BS1, BS3_Supporting.

Illumina Laboratory Services, Illumina
Classification: Uncertain significance for Autosomal recessive congenital ichthyosis 1. Last evaluated: 2017-04-27. Review status: criteria provided, single submitter. Criteria: ICSL Variant Classification Criteria 13 December 2019. Collection method: clinical testing. Allele origin: germline.
Comment: This variant was observed as part of a predisposition screen in an ostensibly healthy population. A literature search was performed for the gene, cDNA change, and amino acid change (where applicable). Publications were found based on this search. However, the evidence from the literature, in combination with allele frequency data from public databases where available, was not sufficient to rule this variant in or out of causing disease. Therefore, this variant is classified as a variant of unknown significance.

GeneDx
Classification: Likely benign. Last evaluated: 2015-05-20. Review status: criteria provided, single submitter. Criteria: GeneDx Variant Classification (06012015). Collection method: clinical testing. Allele origin: germline. Affected: yes.
Comment: This variant is considered likely benign or benign based on one or more of the following criteria: it is a conservative change, it occurs at a poorly conserved position in the protein, it is predicted to be benign by multiple in silico algorithms, and/or has population frequency not consistent with disease.

PreventionGenetics, part of Exact Sciences
Classification: Likely benign. Review status: criteria provided, single submitter. Criteria: ACMG Guidelines, 2015. Collection method: clinical testing. Allele origin: germline.

Natera, Inc.
Classification: Benign for Autosomal recessive congenital ichthyosis type 1. Last evaluated: 2020-01-02. Review status: no assertion criteria provided. Collection method: clinical testing. Allele origin: germline. Not counted in ClinVar's aggregate classification.

OMIM
Classification: Pathogenic for ICHTHYOSIS, CONGENITAL, AUTOSOMAL RECESSIVE 1. Last evaluated: 1995-01-27. Review status: no assertion criteria provided. Collection method: literature only. Allele origin: germline. Not counted in ClinVar's aggregate classification.

Literature cited by the submitters: PubMed 9593710 (cited by Illumina Laboratory Services, Illumina); PubMed 19241467 (cited by Illumina Laboratory Services, Illumina); PubMed 18948357 (cited by Illumina Laboratory Services, Illumina); PubMed 7824952 (cited by Illumina Laboratory Services, Illumina and OMIM).